The following is an entry in ClinVar:

NM_178138.6(LHX3):c.374T>A (p.Leu125Gln)

Gene: LHX3 (LIM homeobox 3; minus strand). Cytogenetic location: 9q34.3.
Variant type: single nucleotide variant.
Coding change: c.374T>A on transcript NM_178138.6 (MANE Select); coding-DNA position 374, T replaced by A.
Protein change: p.Leu125Gln; replaces leucine 125 with glutamine.
Molecular consequence: missense variant.
Genome position (GRCh38, 1-based): chr9:136,199,758, A>T on the plus strand (T>A on the coding strand, the complement: LHX3 is on the minus strand). VCF-style: chr9-136199758-A-T. GRCh37 (hg19) VCF-style: chr9-139091604-A-T.
Other names: c.389T>A (NM_014564.3); c.341T>A, p.Leu114Gln (NM_001363746.1); c.389T>A, p.Leu130Gln (NM_014564.5); short protein forms L130Q, L114Q, L125Q.
Identifiers: ClinVar variation 1901968 (VCV001901968.4), dbSNP rs1831592487, ClinGen allele CA375520048.
Genomic context (GRCh38, chr9:136,199,758, plus strand): 5'-TAGTCCGCCTTGCACACGAGCCGGCTGTCCTCCATGAGGTAGAACTCGTCGCCCGTGGCC[A>T]GCTGCCGCTTGCACACGACGCAGGCAAAGCAGTGCAGGTGGTACACGAAGTCCTGGGCGC-3'
Protein context (NP_835258.1, residues 115-135): CFACVVCKRQ[Leu125Gln]ATGDEFYLME

ClinVar aggregate classification (germline): Uncertain significance. Review status: criteria provided, multiple submitters, no conflicts (2 of 4 stars). 2 submissions from 2 submitters: Uncertain significance (2). Last evaluated 2025-11-03.

Conditions:
Inborn genetic diseases. Identifiers: MedGen C0950123, MeSH D030342.

Allele frequency attached by ClinVar (database versions not stated): TOPMed below 0.00001; gnomAD 0.00001.
gnomAD v4.1: 18 of 1,612,748 alleles (0.0011%); highest among the groups gnomAD compares: Non-Finnish European, 0.0014%; no homozygotes.

Submissions (2):

Labcorp Genetics (formerly Invitae), Labcorp
Classification: Uncertain significance. Last evaluated: 2025-11-03. Review status: criteria provided, single submitter. Criteria: Invitae Variant Classification Sherloc (09022015). Collection method: clinical testing. Allele origin: germline.
Comment: This sequence change replaces leucine, which is neutral and non-polar, with glutamine, which is neutral and polar, at codon 130 of the LHX3 protein (p.Leu130Gln). This variant is not present in population databases (gnomAD no frequency). This variant has not been reported in the literature in individuals affected with LHX3-related conditions. ClinVar contains an entry for this variant (Variation ID: 1901968). An algorithm developed to predict the effect of missense changes on protein structure and function (PolyPhen-2) suggests that this variant is likely to be disruptive. In summary, the available evidence is currently insufficient to determine the role of this variant in disease. Therefore, it has been classified as a Variant of Uncertain Significance.

Ambry Genetics
Classification: Uncertain significance for Inborn genetic diseases. Last evaluated: 2024-02-21. Review status: criteria provided, single submitter. Criteria: Ambry Variant Classification Scheme 2023. Collection method: clinical testing. Allele origin: germline.